The following is an entry in ClinVar:

NM_000132.4(F8):c.5320C>T (p.His1774Tyr)

Gene: F8 (coagulation factor VIII; minus strand). Cytogenetic location: Xq28.
Variant type: single nucleotide variant.
Coding change: c.5320C>T on transcript NM_000132.4 (MANE Select); coding-DNA position 5320, C replaced by T.
Protein change: p.His1774Tyr; replaces histidine 1774 with tyrosine.
Molecular consequence: missense variant.
Genome position (GRCh38, 1-based): chrX:154,906,473, G>A on the plus strand (C>T on the coding strand, the complement: F8 is on the minus strand). VCF-style: chrX-154906473-G-A. GRCh37 (hg19) VCF-style: chrX-154134748-G-A.
Other names: short protein forms H1774Y.
Identifiers: ClinVar variation 3357269 (VCV003357269.4).

ClinVar aggregate classification (germline): Conflicting classifications of pathogenicity. Review status: criteria provided, conflicting classifications (1 of 4 stars). 3 submissions from 3 submitters: Likely pathogenic (1); Uncertain significance (1). 1 of the submissions does not count toward it. Last evaluated 2025-09-25.

Conditions:
Factor VIII deficiency. Identifiers: MedGen C3494187, OMIM 134500.
F8-related disorder. Also called: F8-related condition.

gnomAD v4.1: 2 of 1,209,308 alleles (0.00017%); highest among the groups gnomAD compares: Non-Finnish European, 0.00022%; no homozygotes.

Submissions (3):

Women's Health and Genetics/Laboratory Corporation of America, LabCorp
Classification: Uncertain significance. Last evaluated: 2025-09-25. Review status: criteria provided, single submitter. Criteria: LabCorp Variant Classification Summary - May 2015. Collection method: clinical testing. Allele origin: germline.
Comment: Variant summary: F8 c.5320C>T (p.His1774Tyr) results in a conservative amino acid change in the encoded protein sequence. Algorithms developed to predict the effect of missense changes on protein structure and function are either unavailable or do not agree on the potential impact of this missense change. The variant was absent in 183239 control chromosomes. c.5320C>T has been reported in the literature in individuals affected with Factor VIII Deficiency (Hemophilia A) (Markoff_2009, Eckhardt_2013, Bowyer_2013, Trossaert_2011). These data indicate that the variant may be associated with disease. To our knowledge, no experimental evidence demonstrating an impact on protein function has been reported. The following publications have been ascertained in the context of this evaluation (PMID: 23812942, 23926300, 19473423, 21166991). ClinVar contains an entry for this variant (Variation ID: 3357269). Based on the evidence outlined above, the variant was classified as VUS-possibly pathogenic.

North West Genomic Laboratory Hub, Manchester University NHS Foundation Trust
Classification: Likely pathogenic for Factor VIII deficiency. Last evaluated: 2024-11-01. Review status: criteria provided, single submitter. Criteria: ACGS Best Practice Guidelines for Variant Classification in Rare Disease 2024. Collection method: clinical testing. Allele origin: germline. Affected: yes.
Comment: PP4_Mod PS4_Mod PM2_Mod PM5_Mod PP3_Supp

PreventionGenetics, part of Exact Sciences
Classification: Likely pathogenic for F8-related condition. Last evaluated: 2024-08-22. Review status: no assertion criteria provided. Collection method: clinical testing. Allele origin: germline. Not counted in ClinVar's aggregate classification.
Comment: The F8 c.5320C>T variant is predicted to result in the amino acid substitution p.His1774Tyr. This variant, also described using legacy nomenclature as p.His1755Tyr, has been reported in individuals with hemophilia A (Eckhardt et al. 2013. PubMed ID: 23926300. Table S2; F8 database).We have observed segregation of this variant with hemophilia A in a family (Internal Data, PreventionGenetics). Different missense variants in the same codon (c.5321A>G, p.His1774Arg; c.5321A>T, p.His1774Leu) have also been reported in individuals with hemophilia A (David et al. 2006. PubMed ID: 16769589; Castaman et al. 2007. PubMed ID: 17498081; F8 database) suggesting that substitution of amino acid residue p.His1774 is not tolerated. This variant is not reported in a large population database, indicating this variant is rare. This variant is interpreted as likely pathogenic.

Literature cited by the submitters: PubMed 23926300 (cited by Women's Health and Genetics/Laboratory Corporation of America, LabCorp); PubMed 19473423 (cited by Women's Health and Genetics/Laboratory Corporation of America, LabCorp); PubMed 23812942 (cited by Women's Health and Genetics/Laboratory Corporation of America, LabCorp); PubMed 21166991 (cited by Women's Health and Genetics/Laboratory Corporation of America, LabCorp).